The following is an entry in ClinVar:

NM_000089.4(COL1A2):c.1288G>A (p.Gly430Arg)

Gene: COL1A2 (collagen type I alpha 2 chain; plus strand). Cytogenetic location: 7q21.3.
Variant type: single nucleotide variant.
Coding change: c.1288G>A on transcript NM_000089.4 (MANE Select); coding-DNA position 1288, G replaced by A.
Protein change: p.Gly430Arg; replaces glycine 430 with arginine.
Molecular consequence: missense variant.
Genome position (GRCh38, 1-based): chr7:94,411,092, G>A. VCF-style: chr7-94411092-G-A. GRCh37 (hg19) VCF-style: chr7-94040404-G-A.
Other names: short protein forms G430R.
Identifiers: ClinVar variation 2571283 (VCV002571283.27), dbSNP rs2484711152, ClinGen allele CA368221542.

ClinVar aggregate classification (germline): Likely pathogenic (1 of 4 stars; one submission).

Submission:

CeGaT Center for Human Genetics Tuebingen
Classification: Likely pathogenic. Last evaluated: 2023-06-01. Review status: criteria provided, single submitter. Criteria: CeGaT Center For Human Genetics Tuebingen Variant Classification Criteria Version 2. Collection method: clinical testing. Allele origin: germline. Affected: yes. Observed: 1 variant allele.
Comment: COL1A2: PM1:Strong, PM2, PP3